The following is an entry in ClinVar:

ClinVar aggregate classification (germline): Uncertain significance (1 of 4 stars; one submission).

Submission:

GeneDx
Classification: Uncertain significance. Last evaluated: 2023-03-26. Review status: criteria provided, single submitter. Criteria: GeneDx Variant Classification Process June 2021. Collection method: clinical testing. Allele origin: germline. Affected: yes.
Comment: Not observed at significant frequency in large population cohorts (gnomAD); In silico analysis supports that this missense variant has a deleterious effect on protein structure/function; Has not been previously published as pathogenic or benign to our knowledge

NM_004168.4(SDHA):c.518T>C (p.Phe173Ser)

Gene: SDHA (succinate dehydrogenase complex flavoprotein subunit A; plus strand). Cytogenetic location: 5p15.33.
Variant type: single nucleotide variant.
Coding change: c.518T>C on transcript NM_004168.4 (MANE Select); coding-DNA position 518, T replaced by C.
Protein change: p.Phe173Ser; replaces phenylalanine 173 with serine.
Molecular consequence: missense variant.
Genome position (GRCh38, 1-based): chr5:225,944, T>C. VCF-style: chr5-225944-T-C. GRCh37 (hg19) VCF-style: chr5-226059-T-C.
Other names: c.374T>C, p.Phe125Ser (NM_001294332.2); c.518T>C, p.Phe173Ser (NM_001330758.2); short protein forms F125S, F173S.
Identifiers: ClinVar variation 2581933 (VCV002581933.1), dbSNP rs2477299698, ClinGen allele CA359010170.